The following is an entry in ClinVar:

ClinVar aggregate classification (germline): Pathogenic (1 of 4 stars; one submission).

Submission:

Labcorp Genetics (formerly Invitae), Labcorp
Classification: Pathogenic. Last evaluated: 2025-10-12. Review status: criteria provided, single submitter. Criteria: Invitae Variant Classification Sherloc (09022015). Collection method: clinical testing. Allele origin: germline.
Comment: This sequence change is expected to alter the c-terminus of the WNT1 protein (p.Thr336Alafs*125). While this is not anticipated to result in nonsense mediated decay, it is expected to disrupt the last 35 amino acid(s) of the WNT1 protein and extend the protein by 89 additional amino acid residues. This variant is present in population databases (no rsID available, gnomAD 0.004%). This variant has not been reported in the literature in individuals affected with WNT1-related conditions. ClinVar contains an entry for this variant (Variation ID: 1424085). Experimental studies and prediction algorithms are not available or were not evaluated, and the functional significance of this variant is currently unknown. This variant disrupts a region of the WNT1 protein in which other variant(s) (p.Val355Phe) have been determined to be pathogenic (PMID: 23434763, 25010833). This suggests that this is a clinically significant region of the protein, and that variants that disrupt it are likely to be disease-causing. For these reasons, this variant has been classified as Pathogenic.

Literature cited by the submitters: PubMed 23434763; PubMed 25010833.

NM_005430.4(WNT1):c.1005_1027del (p.Thr336fs)

Gene: WNT1 (Wnt family member 1; plus strand). Cytogenetic location: 12q13.12.
Variant type: Deletion.
Coding change: c.1005_1027del on transcript NM_005430.4 (MANE Select); coding-DNA positions 1005 to 1027, 23 bases deleted (CACGCGCACGCAGCGCGTCACCG).
Protein change: p.Thr336fs; shifts the reading frame from threonine 336.
Molecular consequence: frameshift variant.
Genome position (GRCh38, 1-based): chr12:48,981,532-48,981,554, CACGCGCACGCAGCGCGTCACCG deleted; deleting any 23 consecutive bases within chr12:48,981,527-48,981,554 gives the same sequence; the c. name uses the placement nearest the transcript's 3' end. VCF-style (leftmost placement, unchanged base first): chr12-48981526-CCACCGCACGCGCACGCAGCGCGT-C. GRCh37 (hg19) VCF-style: chr12-49375309-CCACCGCACGCGCACGCAGCGCGT-C.
Other names: short protein forms T336fs.
Identifiers: ClinVar variation 1424085 (VCV001424085.6), dbSNP rs1190044936, ClinGen allele CA605233429.